The following is an entry in ClinVar:

NM_001100913.3(PACS2):c.1281G>C (p.Lys427Asn)

Gene: PACS2 (phosphofurin acidic cluster sorting protein 2; plus strand). Cytogenetic location: 14q32.33.
Variant type: single nucleotide variant.
Coding change: c.1281G>C on transcript NM_001100913.3 (MANE Select); coding-DNA position 1281, G replaced by C.
Protein change: p.Lys427Asn; replaces lysine 427 with asparagine.
Molecular consequence: missense variant.
Genome position (GRCh38, 1-based): chr14:105,381,926, G>C. VCF-style: chr14-105381926-G-C. GRCh37 (hg19) VCF-style: chr14-105848263-G-C.
Other names: c.1056G>C, p.Lys352Asn (NM_001243127.3); c.1281G>C, p.Lys427Asn (NM_015197.4); short protein forms K352N, K427N.
Identifiers: ClinVar variation 2813524 (VCV002813524.3), dbSNP rs2544804462, ClinGen allele CA391181483.
Genomic context (GRCh38, chr14:105,381,926, plus strand): 5'-TCCTGTTCCTGCTGCCACAGCCACTTAGCCTGTCCTGGTCCCCAATAGGTCCGAGGGGAA[G>C]CAGGCTGGCCGACGGGGCCGGAGCACATCCTTGAAGGAGCGGCAGGCAGCACGGCCCCAG-3'
Protein context (NP_001094383.2, residues 417-437): LVIPSTRSEG[Lys427Asn]QAGRRGRSTS

ClinVar aggregate classification (germline): Uncertain significance (1 of 4 stars; one submission).

Submission:

Labcorp Genetics (formerly Invitae), Labcorp
Classification: Uncertain significance. Last evaluated: 2022-11-18. Review status: criteria provided, single submitter. Criteria: Invitae Variant Classification Sherloc (09022015). Collection method: clinical testing. Allele origin: germline.
Comment: In summary, the available evidence is currently insufficient to determine the role of this variant in disease. Therefore, it has been classified as a Variant of Uncertain Significance. Advanced modeling of protein sequence and biophysical properties (such as structural, functional, and spatial information, amino acid conservation, physicochemical variation, residue mobility, and thermodynamic stability) performed at Invitae indicates that this missense variant is not expected to disrupt PACS2 protein function. This variant has not been reported in the literature in individuals affected with PACS2-related conditions. This variant is not present in population databases (gnomAD no frequency). This sequence change replaces lysine, which is basic and polar, with asparagine, which is neutral and polar, at codon 427 of the PACS2 protein (p.Lys427Asn).